The following is an entry in ClinVar:

ClinVar aggregate classification (germline): Uncertain significance (1 of 4 stars; one submission).

Conditions:
Developmental and epileptic encephalopathy, 27 (DEE27). Also called: Epileptic encephalopathy, early infantile, 27; GRIN2B-Related Neurodevelopmental Disorder. Identifiers: Orphanet 3451, MedGen C4015316, MONDO:0014505, OMIM 616139.
Intellectual developmental disorder, autosomal dominant 6, with or without seizures. Also called: Intellectual disability, autosomal dominant 6; GRIN2B-related developmental delay, intellectual disability and autism spectrum disorder. Identifiers: Orphanet 589547, MedGen C3151411, MONDO:0013509, OMIM 613970.

Submission:

Labcorp Genetics (formerly Invitae), Labcorp
Classification: Uncertain significance for Developmental and epileptic encephalopathy, 27; Intellectual developmental disorder, autosomal dominant 6, with or without seizures. Last evaluated: 2025-04-22. Review status: criteria provided, single submitter. Criteria: Invitae Variant Classification Sherloc (09022015). Collection method: clinical testing. Allele origin: germline.
Comment: This sequence change replaces glutamic acid, which is acidic and polar, with aspartic acid, which is acidic and polar, at codon 790 of the GRIN2B protein (p.Glu790Asp). This variant is not present in population databases (gnomAD no frequency). This variant has not been reported in the literature in individuals affected with GRIN2B-related conditions. Invitae Evidence Modeling of protein sequence and biophysical properties (such as structural, functional, and spatial information, amino acid conservation, physicochemical variation, residue mobility, and thermodynamic stability) indicates that this missense variant is not expected to disrupt GRIN2B protein function with a negative predictive value of 95%. In summary, the available evidence is currently insufficient to determine the role of this variant in disease. Therefore, it has been classified as a Variant of Uncertain Significance.

NM_000834.5(GRIN2B):c.2370A>C (p.Glu790Asp)

Gene: GRIN2B (glutamate ionotropic receptor NMDA type subunit 2B; minus strand). Cytogenetic location: 12p13.1.
Variant type: single nucleotide variant.
Coding change: c.2370A>C on transcript NM_000834.5 (MANE Select); coding-DNA position 2370, A replaced by C.
Protein change: p.Glu790Asp; replaces glutamic acid 790 with aspartic acid.
Molecular consequence: missense variant.
Genome position (GRCh38, 1-based): chr12:13,567,253, T>G on the plus strand (A>C on the coding strand, the complement: GRIN2B is on the minus strand). VCF-style: chr12-13567253-T-G. GRCh37 (hg19) VCF-style: chr12-13720187-T-G.
Other names: c.2370A>C, p.Glu790Asp (NM_001413992.1); short protein forms E790D.
Identifiers: ClinVar variation 4783401 (VCV004783401.1).